The following is an entry in ClinVar:

ClinVar aggregate classification (germline): Pathogenic (1 of 4 stars; one submission).

Conditions:
Jeune thoracic dystrophy. Also called: Jeune syndrome; Infantile thoracic dystrophy; Thoracic pelvic phalangeal dystrophy; Jeune's syndrome; Chondroectodermal dysplasia-like syndrome; Short-rib thoracic dysplasia. Identifiers: Orphanet 474, MedGen C0265275, MONDO:0018770.

Submission:

Labcorp Genetics (formerly Invitae), Labcorp
Classification: Pathogenic for Jeune thoracic dystrophy. Last evaluated: 2026-01-19. Review status: criteria provided, single submitter. Criteria: Invitae Variant Classification Sherloc (09022015). Collection method: clinical testing. Allele origin: germline.
Comment: This sequence change creates a premature translational stop signal (p.Val2381Tyrfs*2) in the DYNC2H1 gene. It is expected to result in an absent or disrupted protein product. Loss-of-function variants in DYNC2H1 are known to be pathogenic (PMID: 23339108, 32753734, 33755199). This variant is present in population databases (no rsID available, gnomAD 0.02%). This variant has not been reported in the literature in individuals affected with DYNC2H1-related conditions. ClinVar contains an entry for this variant (Variation ID: 663458). Algorithms developed to predict the effect of sequence changes on RNA splicing suggest that this variant may disrupt the consensus splice site. For these reasons, this variant has been classified as Pathogenic.

Literature cited by the submitters: PubMed 23339108; PubMed 32753734; PubMed 33755199.

NC_000011.10:g.103188497del

Gene: DYNC2H1 (dynein cytoplasmic 2 heavy chain 1; plus strand). Cytogenetic location: 11q22.3.
Variant type: Deletion.
Genome position: GRCh38 VCF-style: chr11-103188495-AG-A. GRCh37 (hg19) VCF-style: chr11-103059224-AG-A.
Other names: c.7141del (NM_001080463.1).
Identifiers: ClinVar variation 663458 (VCV000663458.10), dbSNP rs1160036887, ClinGen allele CA601230825.
Genomic context (GRCh38, chr11:103,188,495, plus strand): 5'-CCTTTATCATGATTAGGAAATCTTAGATAAAAAACGTTTAAAATATATTTATTTTCAAAT[AG>A]GTATTGACGTATCAAGGATTTTATGATGAAAATTTGGAATGGGTTGGTCTAGAAAATATT-3'